The following is an entry in ClinVar:

ClinVar aggregate classification (germline): Uncertain significance. Review status: criteria provided, multiple submitters, no conflicts (2 of 4 stars). 2 submissions from 2 submitters: Uncertain significance (2). Last evaluated 2025-11-10.

Conditions:
Hereditary cancer-predisposing syndrome. Also called: Neoplastic Syndromes, Hereditary; Hereditary Cancer Syndrome; Hereditary neoplastic syndrome; Tumor predisposition. Identifiers: Orphanet 140162, MedGen C0027672, MeSH D009386, MONDO:0015356.
Gastrointestinal stromal tumor. Also called: Gastrointestinal stromal tumor, somatic; Gastrointestinal stroma tumor. Identifiers: Orphanet 44890, MedGen C0238198, MeSH D046152, MONDO:0011719, OMIM 606764, HP:0100723.

Allele frequency attached by ClinVar (database versions not stated): ExAC 0.00001; gnomAD exomes 0.00001.

Submissions (2):

Labcorp Genetics (formerly Invitae), Labcorp
Classification: Uncertain significance for Gastrointestinal stromal tumor. Last evaluated: 2025-11-10. Review status: criteria provided, single submitter. Criteria: Invitae Variant Classification Sherloc (09022015). Collection method: clinical testing. Allele origin: germline.
Comment: This sequence change replaces isoleucine, which is neutral and non-polar, with valine, which is neutral and non-polar, at codon 883 of the PDGFRA protein (p.Ile883Val). This variant is present in population databases (rs776811374, gnomAD 0.002%). This variant has not been reported in the literature in individuals affected with PDGFRA-related conditions. ClinVar contains an entry for this variant (Variation ID: 407389). Invitae Evidence Modeling of protein sequence and biophysical properties (such as structural, functional, and spatial information, amino acid conservation, physicochemical variation, residue mobility, and thermodynamic stability) indicates that this missense variant is not expected to disrupt PDGFRA protein function with a negative predictive value of 80%. In summary, the available evidence is currently insufficient to determine the role of this variant in disease. Therefore, it has been classified as a Variant of Uncertain Significance.

Ambry Genetics
Classification: Uncertain significance for Hereditary cancer-predisposing syndrome. Last evaluated: 2023-11-09. Review status: criteria provided, single submitter. Criteria: Ambry Variant Classification Scheme 2023. Collection method: clinical testing. Allele origin: germline.
Comment: The p.I883V variant (also known as c.2647A>G), located in coding exon 18 of the PDGFRA gene, results from an A to G substitution at nucleotide position 2647. The isoleucine at codon 883 is replaced by valine, an amino acid with highly similar properties. This amino acid position is conserved. In addition, the in silico prediction for this alteration is inconclusive. Since supporting evidence is limited at this time, the clinical significance of this alteration remains unclear.

NM_006206.6(PDGFRA):c.2647A>G (p.Ile883Val)

Gene: PDGFRA (platelet derived growth factor receptor alpha; plus strand). Cytogenetic location: 4q12.
Variant type: single nucleotide variant.
Coding change: c.2647A>G on transcript NM_006206.6 (MANE Select); coding-DNA position 2647, A replaced by G.
Protein change: p.Ile883Val; replaces isoleucine 883 with valine.
Molecular consequence: missense variant.
Genome position (GRCh38, 1-based): chr4:54,287,514, A>G. VCF-style: chr4-54287514-A-G. GRCh37 (hg19) VCF-style: chr4-55153681-A-G.
Other names: c.2722A>G, p.Ile908Val (NM_001347828.2); c.2647A>G, p.Ile883Val (NM_001347829.2); c.2686A>G, p.Ile896Val (NM_001347830.2); short protein forms I883V, I896V, I908V.
Identifiers: ClinVar variation 407389 (VCV000407389.10), dbSNP rs776811374, ClinGen allele CA2922915.